The following is an entry in ClinVar:

ClinVar aggregate classification (germline): Uncertain significance. Review status: criteria provided, multiple submitters, no conflicts (2 of 4 stars). 2 submissions from 2 submitters: Uncertain significance (2). Last evaluated 2022-03-15.

Conditions:
Arterial calcification, generalized, of infancy, 2. Identifiers: Orphanet 51608, MedGen C3276161, MONDO:0013768, OMIM 614473.
Autosomal recessive inherited pseudoxanthoma elasticum (PXE). Identifiers: Orphanet 758, MedGen CN032334, MONDO:0009925, OMIM 264800.
Pseudoxanthoma elasticum, forme fruste. Also called: Pseudoxanthoma Elasticum, Incomplete; PSEUDOXANTHOMA ELASTICUM, HETEROZYGOUS. Identifiers: Orphanet 758, MedGen C1867450, MONDO:0008333, OMIM 177850.

Allele frequency attached by ClinVar (database versions not stated): gnomAD exomes 0.00001; gnomAD 0.00002; ESP Exome Variant Server 0.00008; TOPMed 0.00002; ExAC 0.00002.

Submissions (2):

Labcorp Genetics (formerly Invitae), Labcorp
Classification: Uncertain significance. Last evaluated: 2022-03-15. Review status: criteria provided, single submitter. Criteria: Invitae Variant Classification Sherloc (09022015). Collection method: clinical testing. Allele origin: germline.
Comment: This sequence change replaces valine, which is neutral and non-polar, with isoleucine, which is neutral and non-polar, at codon 1206 of the ABCC6 protein (p.Val1206Ile). This variant is present in population databases (rs375983928, gnomAD 0.004%). This variant has not been reported in the literature in individuals affected with ABCC6-related conditions. Advanced modeling of protein sequence and biophysical properties (such as structural, functional, and spatial information, amino acid conservation, physicochemical variation, residue mobility, and thermodynamic stability) performed at Invitae indicates that this missense variant is not expected to disrupt ABCC6 protein function. In summary, the available evidence is currently insufficient to determine the role of this variant in disease. Therefore, it has been classified as a Variant of Uncertain Significance.

Department of Pathology and Laboratory Medicine, Sinai Health System
Classification: Uncertain significance for Pseudoxanthoma elasticum, forme fruste; Autosomal recessive inherited pseudoxanthoma elasticum; Arterial calcification, generalized, of infancy, 2. Last evaluated: 2021-03-31. Review status: criteria provided, single submitter. Criteria: ACMG Guidelines, 2015. Collection method: research. Allele origin: germline.

NM_001171.6(ABCC6):c.3616G>A (p.Val1206Ile)

Gene: ABCC6 (ATP binding cassette subfamily C member 6; minus strand). Cytogenetic location: 16p13.11.
Variant type: single nucleotide variant.
Coding change: c.3616G>A on transcript NM_001171.6 (MANE Select); coding-DNA position 3616, G replaced by A.
Protein change: p.Val1206Ile; replaces valine 1206 with isoleucine.
Molecular consequence: missense variant. On other transcripts: non-coding transcript variant (1).
Genome position (GRCh38, 1-based): chr16:16,161,455, C>T on the plus strand (G>A on the coding strand, the complement: ABCC6 is on the minus strand). VCF-style: chr16-16161455-C-T. GRCh37 (hg19) VCF-style: chr16-16255312-C-T.
Other names: c.3274G>A, p.Val1092Ile (NM_001351800.1); short protein forms V1092I, V1206I.
Identifiers: ClinVar variation 1482787 (VCV001482787.6), dbSNP rs375983928, ClinGen allele CA7925515.